The following is an entry in ClinVar:

NM_020975.6(RET):c.178C>T (p.Pro60Ser)

Gene: RET (ret proto-oncogene; plus strand). Cytogenetic location: 10q11.21.
Variant type: single nucleotide variant.
Coding change: c.178C>T on transcript NM_020975.6 (MANE Select); coding-DNA position 178, C replaced by T.
Protein change: p.Pro60Ser; replaces proline 60 with serine.
Molecular consequence: missense variant.
Genome position (GRCh38, 1-based): chr10:43,100,563, C>T. VCF-style: chr10-43100563-C-T. GRCh37 (hg19) VCF-style: chr10-43596011-C-T.
Other names: c.178C>T, p.Pro60Ser (NM_000323.2, NM_001406743.1, NM_001406744.1 and 34 more transcripts); c.178C>T (NM_020630.5); short protein forms P60S.
Identifiers: ClinVar variation 864094 (VCV000864094.16), dbSNP rs748402485, ClinGen allele CA035676.
Genomic context (GRCh38, chr10:43,100,563, plus strand): 5'-CTGTATGTGGACCAGGCAGCCGGCACGCCCTTGCTGTACGTCCATGCCCTGCGGGACGCC[C>T]CTGAGGAGGTGCCCAGCTTCCGCCTGGGCCAGCATCTCTACGGCACGTACCGCACACGGC-3'
Protein context (NP_066124.1, residues 50-70): LLYVHALRDA[Pro60Ser]EEVPSFRLGQ

ClinVar aggregate classification (germline): Conflicting classifications of pathogenicity. Review status: criteria provided, conflicting classifications (1 of 4 stars). 7 submissions from 7 submitters: Uncertain significance (6); Likely benign (1). Last evaluated 2026-02-11.

Conditions:
Multiple endocrine neoplasia, type 2 (MEN2). Identifiers: Orphanet 653, MedGen C4048306, MONDO:0019003. Disease mechanism: gain of function.
Hirschsprung disease, susceptibility to, 1 (HSCR1). Also called: RET-Related Hirschsprung Disease. Identifiers: Orphanet 388, MedGen C3888239, MONDO:0007723, OMIM 142623.
Pheochromocytoma. Also called: MAX-Related Hereditary Paraganglioma-Pheochromocytoma Syndrome. Identifiers: Orphanet 29072, MedGen C0031511, MONDO:0008233, OMIM 171300, HP:0002666.
Multiple endocrine neoplasia type 2A. Also called: MULTIPLE ENDOCRINE NEOPLASIA, TYPE IIA; PTC SYNDROME; SIPPLE SYNDROME; MEN 2A; MEN-2A syndrome; Pheochromocytoma and amyloid producing medullary thyroid carcinoma. Identifiers: Orphanet 247698, Orphanet 653, MedGen C0025268, MeSH D018813, MONDO:0008234, OMIM 171400.
Familial medullary thyroid carcinoma (MTC). Also called: Thyroid cancer, familial medullary; MTC, familial; Familial Medullary Thyroid Carcinoma (FMTC). Identifiers: Orphanet 653, Orphanet 99361, MedGen C1833921, MONDO:0007958, OMIM 155240.
Multiple endocrine neoplasia type 2B. Also called: MEN 2B; Multiple endocrine neoplasia, type 3; MUCOSAL NEUROMA SYNDROME; MEN IIB; NEUROMATA, MUCOSAL, WITH ENDOCRINE TUMORS; WAGENMANN-FROBOESE SYNDROME. Identifiers: Orphanet 247709, Orphanet 653, MedGen C0025269, MeSH D018814, MONDO:0008082, OMIM 162300.
Hereditary cancer-predisposing syndrome. Also called: Neoplastic Syndromes, Hereditary; Tumor predisposition; Hereditary Cancer Syndrome; Hereditary neoplastic syndrome. Identifiers: Orphanet 140162, MedGen C0027672, MeSH D009386, MONDO:0015356.

Allele frequency attached by ClinVar (database versions not stated): gnomAD exomes below 0.00001; ExAC 0.00001; TOPMed 0.00002; gnomAD 0.00003.
gnomAD v4.1: 4 of 1,613,756 alleles (0.00025%); highest among the groups gnomAD compares: Admixed American, 0.0067%; no homozygotes.

Submissions (7):

St. Jude Molecular Pathology, St. Jude Children's Research Hospital
Classification: Uncertain significance for Multiple endocrine neoplasia type 2A. Last evaluated: 2026-02-11. Review status: criteria provided, single submitter. Criteria: St. Jude Assertion Criteria 2020. Collection method: clinical testing. Allele origin: germline.
Comment: The RET c.178C>T p.(Pro60Ser) missense change has a maximum subpopulation frequency of 0.003% in gnomAD v2.1.1. The in silico tool REVEL predicts a benign effect on protein function, but to our knowledge this prediction has not been confirmed by functional studies. To our knowledge, this variant has not been reported in individuals with multiple endocrine neoplasia type II. In summary, the evidence currently available is insufficient to determine the clinical significance of this variant. It has therefore been classified as of uncertain significance.

Ambry Genetics
Classification: Uncertain significance for Hereditary cancer-predisposing syndrome. Last evaluated: 2025-07-17. Review status: criteria provided, single submitter. Criteria: Ambry Variant Classification Scheme 2023. Collection method: clinical testing. Allele origin: germline.
Comment: The p.P60S variant (also known as c.178C>T), located in coding exon 2 of the RET gene, results from a C to T substitution at nucleotide position 178. The proline at codon 60 is replaced by serine, an amino acid with similar properties. This amino acid position is well conserved in available vertebrate species. In addition, this alteration is predicted to be tolerated by in silico analysis. Based on the available evidence, the clinical significance of this variant remains unclear.

Color Diagnostics, LLC DBA Color Health
Classification: Likely benign for Multiple endocrine neoplasia, type 2. Last evaluated: 2025-07-05. Review status: criteria provided, single submitter. Criteria: ACMG Guidelines, 2015. Collection method: clinical testing. Allele origin: germline.

Labcorp Genetics (formerly Invitae), Labcorp
Classification: Uncertain significance for Multiple endocrine neoplasia, type 2. Last evaluated: 2025-03-25. Review status: criteria provided, single submitter. Criteria: Invitae Variant Classification Sherloc (09022015). Collection method: clinical testing. Allele origin: germline.
Comment: This sequence change replaces proline, which is neutral and non-polar, with serine, which is neutral and polar, at codon 60 of the RET protein (p.Pro60Ser). This variant is present in population databases (rs748402485, gnomAD 0.003%). This variant has not been reported in the literature in individuals affected with RET-related conditions. ClinVar contains an entry for this variant (Variation ID: 864094). An algorithm developed to predict the effect of missense changes on protein structure and function (PolyPhen-2) suggests that this variant is likely to be tolerated. In summary, the available evidence is currently insufficient to determine the role of this variant in disease. Therefore, it has been classified as a Variant of Uncertain Significance.

Baylor Genetics
Classification: Uncertain significance for Hirschsprung disease, susceptibility to, 1. Last evaluated: 2023-08-30. Review status: criteria provided, single submitter. Criteria: ACMG Guidelines, 2015. Collection method: clinical testing. Allele origin: unknown.

All of Us Research Program, National Institutes of Health
Classification: Uncertain significance for Multiple endocrine neoplasia, type 2. Last evaluated: 2023-02-24. Review status: criteria provided, single submitter. Criteria: ACMG Guidelines, 2015. Collection method: clinical testing. Allele origin: germline. Inheritance: Autosomal dominant inheritance. Observed: 1 variant allele, 1 heterozygote.
Comment: This missense variant replaces proline with serine at codon 60 of the RET protein. Computational prediction suggests that this variant may not impact protein structure and function (internally defined REVEL score threshold <= 0.5, PMID: 27666373). To our knowledge, functional studies have not been reported for this variant. This variant has not been reported in individuals affected with hereditary cancer in the literature. This variant has been identified in 1/251126 chromosomes in the general population by the Genome Aggregation Database (gnomAD). The available evidence is insufficient to determine the role of this variant in disease conclusively. Therefore, this variant is classified as a Variant of Uncertain Significance.

This study involves interpretation of variants in research participants for the purpose of population health screening. Participant phenotype was not available at the time of variant classification. Additional details can be found in publication PMID: 35346344, PMCID: PMC8962531

Fulgent Genetics
Classification: Uncertain significance for Hirschsprung disease, susceptibility to, 1; Familial medullary thyroid carcinoma; Multiple endocrine neoplasia type 2B; Pheochromocytoma; Multiple endocrine neoplasia type 2A. Last evaluated: 2021-12-06. Review status: criteria provided, single submitter. Criteria: ACMG Guidelines, 2015. Collection method: clinical testing. Allele origin: unknown.